The following is an entry in ClinVar:

ClinVar aggregate classification (germline): Uncertain significance. Review status: criteria provided, multiple submitters, no conflicts (2 of 4 stars). 2 submissions from 2 submitters: Uncertain significance (2). Last evaluated 2023-02-12.

Conditions:
Hereditary cancer-predisposing syndrome. Also called: Neoplastic Syndromes, Hereditary; Tumor predisposition; Hereditary neoplastic syndrome; Hereditary Cancer Syndrome. Identifiers: Orphanet 140162, MedGen C0027672, MeSH D009386, MONDO:0015356.

Submissions (2):

Ambry Genetics
Classification: Uncertain significance for Hereditary cancer-predisposing syndrome. Last evaluated: 2023-02-12. Review status: criteria provided, single submitter. Criteria: Ambry Variant Classification Scheme 2023. Collection method: clinical testing. Allele origin: germline.
Comment: The p.L1189P variant (also known as c.3566T>C), located in coding exon 23 of the RAD50 gene, results from a T to C substitution at nucleotide position 3566. The leucine at codon 1189 is replaced by proline, an amino acid with similar properties. This amino acid position is highly conserved through mammals but not in all available vertebrate species. In addition, this alteration is predicted to be deleterious by in silico analysis. Since supporting evidence is limited at this time, the clinical significance of this alteration remains unclear.

Labcorp Genetics (formerly Invitae), Labcorp
Classification: Uncertain significance for Hereditary cancer-predisposing syndrome. Last evaluated: 2022-06-17. Review status: criteria provided, single submitter. Criteria: Invitae Variant Classification Sherloc (09022015). Collection method: clinical testing. Allele origin: germline.
Comment: Algorithms developed to predict the effect of missense changes on protein structure and function are either unavailable or do not agree on the potential impact of this missense change (SIFT: "Tolerated"; PolyPhen-2: "Possibly Damaging"; Align-GVGD: "Class C0"). ClinVar contains an entry for this variant (Variation ID: 823938). This variant has not been reported in the literature in individuals affected with RAD50-related conditions. This variant is not present in population databases (gnomAD no frequency). In summary, the available evidence is currently insufficient to determine the role of this variant in disease. Therefore, it has been classified as a Variant of Uncertain Significance. This sequence change replaces leucine, which is neutral and non-polar, with proline, which is neutral and non-polar, at codon 1189 of the RAD50 protein (p.Leu1189Pro).

NM_005732.4(RAD50):c.3566T>C (p.Leu1189Pro)

Genes: RAD50 (RAD50 double strand break repair protein; plus strand), TH2-LCR (Th2 cytokine locus control region; plus strand), TH2LCRR (T helper type 2 locus control region associated RNA; minus strand). Cytogenetic location: 5q31.1.
Variant type: single nucleotide variant.
Coding change: c.3566T>C on transcript NM_005732.4 (MANE Select); coding-DNA position 3566, T replaced by C.
Protein change: p.Leu1189Pro; replaces leucine 1189 with proline.
Molecular consequence: missense variant. On other transcripts: non-coding transcript variant (3).
Genome position (GRCh38, 1-based): chr5:132,638,171, T>C. VCF-style: chr5-132638171-T-C. GRCh37 (hg19) VCF-style: chr5-131973863-T-C.
Other names: short protein forms L1189P.
Identifiers: ClinVar variation 823938 (VCV000823938.9), dbSNP rs1581021198, ClinGen allele CA360932071.